The following is an entry in ClinVar:

ClinVar aggregate classification (germline): Pathogenic. Review status: reviewed by expert panel (3 of 4 stars). 4 submissions from 4 submitters: Pathogenic (1). 3 of the submissions do not count toward it. Last evaluated 2016-10-18.

Conditions:
Hereditary breast ovarian cancer syndrome. Also called: Hereditary breast and ovarian cancer syndrome; Hereditary breast and ovarian cancer; Hereditary breast and ovarian cancer syndrome (HBOC); Breast and ovarian cancer; Hereditary breast and/or ovarian cancer syndrome; BRCA1- and BRCA2-Associated Hereditary Breast and Ovarian Cancer. Identifiers: Orphanet 145, MedGen C0677776, MeSH D061325, MONDO:0003582. Disease mechanism: loss of function.
Hereditary cancer-predisposing syndrome. Also called: Neoplastic Syndromes, Hereditary; Tumor predisposition; Hereditary Cancer Syndrome; Hereditary neoplastic syndrome. Identifiers: Orphanet 140162, MedGen C0027672, MeSH D009386, MONDO:0015356.
Breast-ovarian cancer, familial, susceptibility to, 2 (BROVCA2). Also called: BRCA2 Hereditary Breast and Ovarian Cancer. Identifiers: Orphanet 145, MedGen C2675520, MONDO:0012933, OMIM 612555. Disease mechanism: loss of function.

Submissions (4):

Evidence-based Network for the Interpretation of Germline Mutant Alleles (ENIGMA)
Classification: Pathogenic for Breast-ovarian cancer, familial, susceptibility to, 2. Last evaluated: 2016-10-18. Review status: reviewed by expert panel. Criteria: ENIGMA BRCA1/2 Classification Criteria (2015). Collection method: curation. Allele origin: germline.
Comment: Variant allele predicted to encode a truncated non-functional protein.

GeneKor MSA
Classification: Pathogenic for Hereditary breast and ovarian cancer syndrome. Last evaluated: 2020-01-01. Review status: criteria provided, single submitter. Criteria: ACMG Guidelines, 2015. Collection method: clinical testing. Allele origin: germline. Affected: yes. Not counted in ClinVar's aggregate classification.
Comment: This is a nonsense mutation that replaces glutamine with a premature termination codon. The mutation database ClinVar contains an entry for this variant (Variation ID: 51065).

Ambry Genetics
Classification: Pathogenic for Hereditary cancer-predisposing syndrome. Last evaluated: 2016-12-05. Review status: criteria provided, single submitter. Criteria: Ambry Variant Classification Scheme 2023. Collection method: clinical testing. Allele origin: germline. Not counted in ClinVar's aggregate classification.
Comment: The p.Q373* pathogenic mutation (also known as c.1117C>T), located in coding exon 9 of the BRCA2 gene, results from a C to T substitution at nucleotide position 1117. This changes the amino acid from a glutamine to a stop codon within coding exon 9. This mutation has previously been reported as pathogenic, though clinical details were limited (Lecarpentier J et al. Breast Cancer Res., 2012 Jul;14:R99). This alteration is expected to result in loss of function by premature protein truncation or nonsense-mediated mRNA decay. As such, this alteration is interpreted as a disease-causing mutation.

Consortium of Investigators of Modifiers of BRCA1/2 (CIMBA), c/o University of Cambridge
Classification: Pathogenic for Breast-ovarian cancer, familial, susceptibility to, 2. Last evaluated: 2015-10-02. Review status: criteria provided, single submitter. Criteria: CIMBA Mutation Classification guidelines May 2016. Collection method: clinical testing. Allele origin: germline. Not counted in ClinVar's aggregate classification.

Literature cited by the submitters: PubMed 22762150 (cited by Ambry Genetics).

NM_000059.4(BRCA2):c.1117C>T (p.Gln373Ter)

Gene: BRCA2 (BRCA2 DNA repair associated; plus strand). Cytogenetic location: 13q13.1.
Variant type: single nucleotide variant.
Coding change: c.1117C>T on transcript NM_000059.4 (MANE Select); coding-DNA position 1117, C replaced by T.
Protein change: p.Gln373Ter; replaces glutamine 373 with a stop codon.
Molecular consequence: nonsense.
Genome position (GRCh38, 1-based): chr13:32,332,595, C>T. VCF-style: chr13-32332595-C-T. GRCh37 (hg19) VCF-style: chr13-32906732-C-T.
Other names: 1345C>T Q373X; short protein forms Q373*.
Identifiers: ClinVar variation 51065 (VCV000051065.10), dbSNP rs397507572, ClinGen allele CA010847.